The following is an entry in ClinVar:

ClinVar aggregate classification (germline): Benign. Review status: criteria provided, multiple submitters, no conflicts (2 of 4 stars). 2 submissions from 2 submitters: Benign (2). Last evaluated 2018-06-19.

Allele frequency attached by ClinVar (database versions not stated): gnomAD 0.34306 and 0.34675; TOPMed 0.34904; 1000 Genomes Project 30x 0.41755; 1000 Genomes Project 0.41993.
gnomAD v4.1: 52,708 of 151,958 alleles (35%); highest among the groups gnomAD compares: East Asian, 70%; 9,802 homozygotes.

Submissions (2):

GeneDx
Classification: Benign. Last evaluated: 2018-06-19. Review status: criteria provided, single submitter. Criteria: GeneDx Variant Classification (06012015). Collection method: clinical testing. Allele origin: germline. Affected: yes.
Comment: This variant is considered likely benign or benign based on one or more of the following criteria: it is a conservative change, it occurs at a poorly conserved position in the protein, it is predicted to be benign by multiple in silico algorithms, and/or has population frequency not consistent with disease.

Breakthrough Genomics
Classification: Benign. Review status: criteria provided, single submitter. Criteria: ACMG Guidelines, 2015. Collection method: not provided. Allele origin: germline. Inheritance: Autosomal recessive inheritance. Affected: yes.

NM_002860.4(ALDH18A1):c.304-293C>T

Gene: ALDH18A1 (aldehyde dehydrogenase 18 family member A1; minus strand). Cytogenetic location: 10q24.1.
Variant type: single nucleotide variant.
Coding change: c.304-293C>T on transcript NM_002860.4 (MANE Select); 293 bases into the intron before coding-DNA position 304, C replaced by T.
Molecular consequence: intron variant.
Genome position (GRCh38, 1-based): chr10:95,637,729, G>A on the plus strand (C>T on the coding strand, the complement: ALDH18A1 is on the minus strand). VCF-style: chr10-95637729-G-A. GRCh37 (hg19) VCF-style: chr10-97397486-G-A.
Other names: c.-78-4080C>T (NM_001323419.2); c.-30-293C>T (NM_001323412.2, NM_001323418.2, NM_001323416.2); c.304-293C>T (NM_001323417.2, NM_001017423.2, NM_001323415.2 and 2 more transcripts).
Identifiers: ClinVar variation 682757 (VCV000682757.2), dbSNP rs7069943, ClinGen allele CA211802768.